The following is an entry in ClinVar:

NM_001277313.2(FMN1):c.391G>A (p.Asp131Asn)

Gene: FMN1 (formin 1; minus strand). Cytogenetic location: 15q13.3.
Variant type: single nucleotide variant.
Coding change: c.391G>A on transcript NM_001277313.2 (MANE Select); coding-DNA position 391, G replaced by A.
Protein change: p.Asp131Asn; replaces aspartic acid 131 with asparagine.
Molecular consequence: missense variant.
Genome position (GRCh38, 1-based): chr15:33,154,524, C>T on the plus strand (G>A on the coding strand, the complement: FMN1 is on the minus strand). VCF-style: chr15-33154524-C-T. GRCh37 (hg19) VCF-style: chr15-33446725-C-T.
Other names: c.391G>A, p.Asp131Asn (NM_001277314.2); short protein forms D131N.
Identifiers: ClinVar variation 3685785 (VCV003685785.2).

ClinVar aggregate classification (germline): Uncertain significance (1 of 4 stars; one submission).

Submission:

Labcorp Genetics (formerly Invitae), Labcorp
Classification: Uncertain significance. Last evaluated: 2024-11-10. Review status: criteria provided, single submitter. Criteria: Invitae Variant Classification Sherloc (09022015). Collection method: clinical testing. Allele origin: germline.
Comment: The FMN1 gene has multiple clinically relevant transcripts. This variant occurs in alternate transcript NM_001277314.1, and corresponds to NM_001103184.3:c.-86640G>A in the primary transcript. This sequence change replaces aspartic acid, which is acidic and polar, with asparagine, which is neutral and polar, at codon 131 of the FMN1 protein (p.Asp131Asn). This variant is not present in population databases (gnomAD no frequency). This variant has not been reported in the literature in individuals affected with FMN1-related conditions. Experimental studies and prediction algorithms are not available or were not evaluated, and the functional significance of this variant is currently unknown. In summary, the available evidence is currently insufficient to determine the role of this variant in disease. Therefore, it has been classified as a Variant of Uncertain Significance.